The following is an entry in ClinVar:

NM_000133.4(F9):c.160G>A (p.Glu54Lys)

Gene: F9 (coagulation factor IX; plus strand). Cytogenetic location: Xq27.1.
Variant type: single nucleotide variant.
Coding change: c.160G>A on transcript NM_000133.4 (MANE Select); coding-DNA position 160, G replaced by A.
Protein change: p.Glu54Lys; replaces glutamic acid 54 with lysine.
Molecular consequence: missense variant.
Genome position (GRCh38, 1-based): chrX:139,537,081, G>A. VCF-style: chrX-139537081-G-A. GRCh37 (hg19) VCF-style: chrX-138619240-G-A.
Other names: c.160G>A, p.Glu54Lys (NM_001313913.2); short protein forms E54K.
Identifiers: ClinVar variation 3759686 (VCV003759686.2).

ClinVar aggregate classification (germline): Pathogenic (1 of 4 stars; one submission).

Conditions:
Thrombophilia, X-linked, due to factor 9 defect. Identifiers: MedGen C2749016, MONDO:0010432, OMIM 300807.
Hereditary factor IX deficiency disease (HEMB). Also called: Christmas Disease; F9 DEFICIENCY; FACTOR IX DEFICIENCY; PLASMA THROMBOPLASTIN COMPONENT DEFICIENCY; Hemophilia B. Identifiers: Orphanet 98879, MedGen C0008533, MeSH D002836, MONDO:0010604, OMIM 306900.

Submission:

Labcorp Genetics (formerly Invitae), Labcorp
Classification: Pathogenic for Thrombophilia, X-linked, due to factor 9 defect; Hereditary factor IX deficiency disease. Last evaluated: 2024-04-14. Review status: criteria provided, single submitter. Criteria: Invitae Variant Classification Sherloc (09022015). Collection method: clinical testing. Allele origin: germline.
Comment: This sequence change replaces glutamic acid, which is acidic and polar, with lysine, which is basic and polar, at codon 54 of the F9 protein (p.Glu54Lys). This variant is not present in population databases (gnomAD no frequency). This missense change has been observed in individuals with factor IX deficiency (PMID: 27529981, 28752769; Invitae). Advanced modeling of protein sequence and biophysical properties (such as structural, functional, and spatial information, amino acid conservation, physicochemical variation, residue mobility, and thermodynamic stability) performed at Invitae indicates that this missense variant is expected to disrupt F9 protein function with a positive predictive value of 95%. For these reasons, this variant has been classified as Pathogenic.

Literature cited by the submitters: PubMed 27529981; PubMed 28752769.